The following is an entry in ClinVar:

NM_014423.4(AFF4):c.3289G>A (p.Val1097Ile)

Gene: AFF4 (ALF transcription elongation factor 4; minus strand). Cytogenetic location: 5q31.1.
Variant type: single nucleotide variant.
Coding change: c.3289G>A on transcript NM_014423.4 (MANE Select); coding-DNA position 3289, G replaced by A.
Protein change: p.Val1097Ile; replaces valine 1097 with isoleucine.
Molecular consequence: missense variant.
Genome position (GRCh38, 1-based): chr5:132,883,415, C>T on the plus strand (G>A on the coding strand, the complement: AFF4 is on the minus strand). VCF-style: chr5-132883415-C-T. GRCh37 (hg19) VCF-style: chr5-132219107-C-T.
Other names: short protein forms V1097I.
Identifiers: ClinVar variation 2964277 (VCV002964277.3), dbSNP rs1277188630, ClinGen allele CA360967070.

ClinVar aggregate classification (germline): Uncertain significance (1 of 4 stars; one submission).

Conditions:
Cognitive impairment - coarse facies - heart defects - obesity - pulmonary involvement - short stature - skeletal dysplasia syndrome. Also called: COGNITIVE IMPAIRMENT, COARSE FACIES, HEART DEFECTS, OBESITY, PULMONARY INVOLVEMENT, SHORT STATURE, AND SKELETAL DYSPLASIA; Chops syndrome; AFF4-Related CHOPS Syndrome. Identifiers: Orphanet 444077, MedGen C4085597, MONDO:0014609, OMIM 616368.

Submission:

Labcorp Genetics (formerly Invitae), Labcorp
Classification: Uncertain significance for Cognitive impairment - coarse facies - heart defects - obesity - pulmonary involvement - short stature - skeletal dysplasia syndrome. Last evaluated: 2023-08-15. Review status: criteria provided, single submitter. Criteria: Invitae Variant Classification Sherloc (09022015). Collection method: clinical testing. Allele origin: germline.
Comment: This sequence change replaces valine, which is neutral and non-polar, with isoleucine, which is neutral and non-polar, at codon 1097 of the AFF4 protein (p.Val1097Ile). This variant is not present in population databases (gnomAD no frequency). This variant has not been reported in the literature in individuals affected with AFF4-related conditions. Advanced modeling of protein sequence and biophysical properties (such as structural, functional, and spatial information, amino acid conservation, physicochemical variation, residue mobility, and thermodynamic stability) has been performed at Invitae for this missense variant, however the output from this modeling did not meet the statistical confidence thresholds required to predict the impact of this variant on AFF4 protein function. In summary, the available evidence is currently insufficient to determine the role of this variant in disease. Therefore, it has been classified as a Variant of Uncertain Significance.